The following is an entry in ClinVar:

NM_013262.4(MYLIP):c.376A>T (p.Thr126Ser)

Gene: MYLIP (myosin regulatory light chain interacting protein; plus strand). Cytogenetic location: 6p22.3.
Variant type: single nucleotide variant.
Coding change: c.376A>T on transcript NM_013262.4 (MANE Select); coding-DNA position 376, A replaced by T.
Protein change: p.Thr126Ser; replaces threonine 126 with serine.
Molecular consequence: missense variant.
Genome position (GRCh38, 1-based): chr6:16,141,722, A>T. VCF-style: chr6-16141722-A-T. GRCh37 (hg19) VCF-style: chr6-16141953-A-T.
Other names: short protein forms T126S.
Identifiers: ClinVar variation 2791366 (VCV002791366.3), dbSNP rs565497429, ClinGen allele CA362793698.
Genomic context (GRCh38, chr6:16,141,722, plus strand): 5'-GCAGGCCACCTCTTGTGTTCCCCAGAGCAGGCAGTGGAACTCAGTGCCCTCCTGGCCCAG[A>T]CCAAGTTTGGAGACTACAACCAGAACACTGCCAAGTATAACTATGAGGAGCTCTGTGCCA-3'
Protein context (NP_037394.2, residues 116-136): AVELSALLAQ[Thr126Ser]KFGDYNQNTA

ClinVar aggregate classification (germline): Uncertain significance (1 of 4 stars; one submission).

Allele frequency attached by ClinVar (database versions not stated): gnomAD exomes below 0.00001.
gnomAD v4.1: 2 of 1,614,178 alleles (0.00012%); highest among the groups gnomAD compares: Non-Finnish European, 0.00017%; no homozygotes.

Submission:

Labcorp Genetics (formerly Invitae), Labcorp
Classification: Uncertain significance. Last evaluated: 2023-11-01. Review status: criteria provided, single submitter. Criteria: Invitae Variant Classification Sherloc (09022015). Collection method: clinical testing. Allele origin: germline.
Comment: This sequence change replaces threonine, which is neutral and polar, with serine, which is neutral and polar, at codon 126 of the MYLIP protein (p.Thr126Ser). This variant is not present in population databases (gnomAD no frequency). This variant has not been reported in the literature in individuals affected with MYLIP-related conditions. An algorithm developed to predict the effect of missense changes on protein structure and function (PolyPhen-2) suggests that this variant is likely to be tolerated. In summary, the available evidence is currently insufficient to determine the role of this variant in disease. Therefore, it has been classified as a Variant of Uncertain Significance.